The following is an entry in ClinVar:

NM_001148.6(ANK2):c.2178G>A (p.Lys726=)

Gene: ANK2 (ankyrin 2; plus strand). Cytogenetic location: 4q26.
Variant type: single nucleotide variant.
Coding change: c.2178G>A on transcript NM_001148.6 (MANE Select); coding-DNA position 2178, G replaced by A.
Protein change: p.Lys726=; no amino-acid change (lysine 726 retained).
Molecular consequence: synonymous variant.
Genome position (GRCh38, 1-based): chr4:113,287,703, G>A. VCF-style: chr4-113287703-G-A. GRCh37 (hg19) VCF-style: chr4-114208859-G-A.
Other names: c.2115G>A, p.Lys705= (NM_001127493.3, NM_001354239.2, NM_001354243.2 and 10 more transcripts); c.2178G>A, p.Lys726= (NM_001354225.2, NM_001354228.2, NM_001354232.2 and 6 more transcripts); c.2223G>A, p.Lys741= (NM_001354230.2, NM_001354231.2, NM_001354237.2 and 5 more transcripts); c.2079G>A, p.Lys693= (NM_001354245.2, NM_001354268.2); c.2091G>A, p.Lys697= (NM_001354249.2, NM_001354264.2, NM_001354266.2 and 10 more transcripts); c.2016G>A, p.Lys672= (NM_001354253.2, NM_001354257.2, NM_001354270.2 and 1 more transcripts); c.1992G>A, p.Lys664= (NM_001354260.2, NM_001354271.2, NM_001386151.1); c.2136G>A, p.Lys712= (NM_001354261.2, NM_001386147.1, NM_001386160.1); and 8 more.
Identifiers: ClinVar variation 1024282 (VCV001024282.5), dbSNP rs2065381346, ClinGen allele CA440829692.
Genomic context (GRCh38, chr4:113,287,703, plus strand): 5'-TAAAGTGAATGTTGCTGATATTCTCACCAAGCATGGAGCTGATCAGGATGCTCATACAAA[G>A]GTAAAGCAAATCACTCTCAGTATTGTGACAGGTTCTGGCTGGGATGATTCCCAGTAGCCC-3'
Protein context (NP_001139.3, residues 716-736): KHGADQDAHT[Lys726=]LGYTPLIVAC

ClinVar aggregate classification (germline): Uncertain significance (1 of 4 stars; one submission).

Conditions:
Long QT syndrome (LQTS). Identifiers: MedGen C0023976, MeSH D008133, MONDO:0002442. Disease mechanism: loss of function. Inheritance: Various modes of inheritance.

Submission:

Labcorp Genetics (formerly Invitae), Labcorp
Classification: Uncertain significance for Long QT syndrome. Last evaluated: 2020-10-07. Review status: criteria provided, single submitter. Criteria: Invitae Variant Classification Sherloc (09022015). Collection method: clinical testing. Allele origin: germline.
Comment: In summary, the available evidence is currently insufficient to determine the role of this variant in disease. Therefore, it has been classified as a Variant of Uncertain Significance. Algorithms developed to predict the effect of sequence changes on RNA splicing suggest that this variant may disrupt the consensus splice site, but this prediction has not been confirmed by published transcriptional studies. This variant has not been reported in the literature in individuals with ANK2-related conditions. This variant is not present in population databases (ExAC no frequency). This sequence change affects codon 726 of the ANK2 mRNA. It is a 'silent' change, meaning that it does not change the encoded amino acid sequence of the ANK2 protein.